The following is an entry in ClinVar:

ClinVar aggregate classification (germline): Benign/Likely benign. Review status: criteria provided, multiple submitters, no conflicts (2 of 4 stars). 3 submissions from 3 submitters: Benign (1); Likely benign (2). Last evaluated 2025-09-19.

Conditions:
Tuberous sclerosis 2 (TSC2). Identifiers: Orphanet 805, MedGen C1860707, MONDO:0013199, OMIM 613254.
Hereditary cancer-predisposing syndrome. Also called: Neoplastic Syndromes, Hereditary; Tumor predisposition; Hereditary Cancer Syndrome; Hereditary neoplastic syndrome. Identifiers: Orphanet 140162, MedGen C0027672, MeSH D009386, MONDO:0015356.

Allele frequency attached by ClinVar (database versions not stated): gnomAD 0.00001; TOPMed 0.00002.
gnomAD v4.1: 1 of 1,613,234 alleles (0.000062%); highest among the groups gnomAD compares: Admixed American, 0.0017%; no homozygotes.

Submissions (3):

Labcorp Genetics (formerly Invitae), Labcorp
Classification: Likely benign for Tuberous sclerosis 2. Last evaluated: 2025-09-19. Review status: criteria provided, single submitter. Criteria: Invitae Variant Classification Sherloc (09022015). Collection method: clinical testing. Allele origin: germline.

Myriad Genetics, Inc.
Classification: Benign for Tuberous sclerosis 2. Last evaluated: 2025-06-03. Review status: criteria provided, single submitter. Criteria: Myriad Autosomal Dominant, Autosomal Recessive and X-Linked Classification Criteria (2023). Collection method: clinical testing. Allele origin: unknown.
Comment: This variant is considered benign. This variant is a silent/synonymous amino acid change and it is not expected to impact splicing.

Ambry Genetics
Classification: Likely benign for Hereditary cancer-predisposing syndrome. Last evaluated: 2022-07-21. Review status: criteria provided, single submitter. Criteria: Ambry Variant Classification Scheme 2023. Collection method: clinical testing. Allele origin: germline.

NM_000548.5(TSC2):c.4504C>T (p.Leu1502=)

Gene: TSC2 (TSC complex subunit 2; plus strand). Cytogenetic location: 16p13.3.
Variant type: single nucleotide variant.
Coding change: c.4504C>T on transcript NM_000548.5 (MANE Select); coding-DNA position 4504, C replaced by T.
Protein change: p.Leu1502=; no amino-acid change (leucine 1502 retained).
Molecular consequence: synonymous variant.
Genome position (GRCh38, 1-based): chr16:2,084,961, C>T. VCF-style: chr16-2084961-C-T. GRCh37 (hg19) VCF-style: chr16-2134962-C-T.
Other names: c.4303C>T, p.Leu1435= (NM_001077183.3); c.4435C>T, p.Leu1479= (NM_001114382.3); c.4195C>T, p.Leu1399= (NM_001318827.2); c.4159C>T, p.Leu1387= (NM_001318829.2); c.3772C>T, p.Leu1258= (NM_001318831.2); c.4336C>T, p.Leu1446= (NM_001318832.2); c.4306C>T, p.Leu1436= (NM_001363528.2); c.4372C>T, p.Leu1458= (NM_001370404.1); and 1 more.
Identifiers: ClinVar variation 536085 (VCV000536085.12), dbSNP rs928525608, ClinGen allele CA276753986.
Genomic context (GRCh38, chr16:2,084,961, plus strand): 5'-TGCCCTGGCCAGGCCCTCACCTGGGTGCCCACCATCCCCTCCCTGTGCAGTTTCGTGTTC[C>T]TGCAGCTCTACCATTCCCCCTTCTTTGGCGACGAGTCAAACAAGCCAATCCTGCTGCCCA-3'
Protein context (NP_000539.2, residues 1492-1512): VPGINPSFVF[Leu1502=]QLYHSPFFGD